The following is an entry in ClinVar:

NM_002334.4(LRP4):c.941T>C (p.Leu314Ser)

Gene: LRP4 (LDL receptor related protein 4; minus strand). Cytogenetic location: 11p11.2.
Variant type: single nucleotide variant.
Coding change: c.941T>C on transcript NM_002334.4 (MANE Select); coding-DNA position 941, T replaced by C.
Protein change: p.Leu314Ser; replaces leucine 314 with serine.
Molecular consequence: missense variant.
Genome position (GRCh38, 1-based): chr11:46,896,317, A>G on the plus strand (T>C on the coding strand, the complement: LRP4 is on the minus strand). VCF-style: chr11-46896317-A-G. GRCh37 (hg19) VCF-style: chr11-46917868-A-G.
Other names: short protein forms L314S.
Identifiers: ClinVar variation 304892 (VCV000304892.20), dbSNP rs7926667, ClinGen allele CA5970321.
Genomic context (GRCh38, chr11:46,896,317, plus strand): 5'-ACCCCGTTGCACAGCTTCCTCTGCCCAATGCAGCGCCCATTCCAACACAGGAACTGGTCC[A>G]AGGCACATTGGGGGCTTCCTAGAGAGATGGAGGGTCAGGTCATAGCAAGGCAGGGCTTGG-3'
Protein context (NP_002325.2, residues 304-324): CENTGSPQCA[Leu314Ser]DQFLCWNGRC

ClinVar aggregate classification (germline): Benign/Likely benign. Review status: criteria provided, multiple submitters, no conflicts (2 of 4 stars). 4 submissions from 4 submitters: Benign (3); Likely benign (1). Last evaluated 2026-02-03.

Conditions:
Sclerosteosis 2 (SOST2). Identifiers: Orphanet 3152, MedGen C3280402, MONDO:0013679, OMIM 614305.
Cenani-Lenz syndactyly syndrome. Also called: SYNDACTYLY, TYPE VII; CENANI SYNDACTYLISM. Identifiers: Orphanet 3258, MedGen C1859309, MONDO:0008931, OMIM 212780.
Congenital myasthenic syndrome 17. Identifiers: Orphanet 590, MedGen C4225377, MONDO:0014578, OMIM 616304.

Allele frequency attached by ClinVar (database versions not stated): gnomAD exomes 0.00490 and 0.01390; ExAC 0.01701; gnomAD 0.05178 and 0.05542; ESP Exome Variant Server 0.05938; TOPMed 0.05965; 1000 Genomes Project 0.06110; 1000 Genomes Project 30x 0.06574.
gnomAD v4.1: 15,441 of 1,614,034 alleles (0.96%); highest among the groups gnomAD compares: African/African-American, 18%; 1,280 homozygotes.

Submissions (4):

Labcorp Genetics (formerly Invitae), Labcorp
Classification: Benign for Cenani-Lenz syndactyly syndrome; Sclerosteosis 2; Congenital myasthenic syndrome 17. Last evaluated: 2026-02-03. Review status: criteria provided, single submitter. Criteria: Invitae Variant Classification Sherloc (09022015). Collection method: clinical testing. Allele origin: germline.

Mayo Clinic Laboratories, Mayo Clinic
Classification: Benign. Last evaluated: 2023-11-02. Review status: criteria provided, single submitter. Criteria: ACMG Guidelines, 2015. Collection method: clinical testing. Allele origin: germline. Observed: 19 variant alleles.
Comment: BA1, BS2, BP4

GeneDx
Classification: Benign. Last evaluated: 2018-07-27. Review status: criteria provided, single submitter. Criteria: GeneDx Variant Classification Process June 2021. Collection method: clinical testing. Allele origin: germline. Affected: yes.

Breakthrough Genomics
Classification: Likely benign. Review status: criteria provided, single submitter. Criteria: ACMG Guidelines, 2015. Collection method: not provided. Allele origin: germline. Inheritance: Autosomal recessive inheritance. Affected: yes.